The following is an entry in ClinVar:

NM_000038.6(APC):c.219A>G (p.Lys73=)

Gene: APC (APC regulator of Wnt signaling pathway; plus strand). Cytogenetic location: 5q22.2.
Variant type: single nucleotide variant.
Coding change: c.219A>G on transcript NM_000038.6 (MANE Select); coding-DNA position 219, A replaced by G.
Protein change: p.Lys73=; no amino-acid change (lysine 73 retained).
Molecular consequence: synonymous variant. On other transcripts: 5 prime UTR variant (1).
Genome position (GRCh38, 1-based): chr5:112,766,409, A>G. VCF-style: chr5-112766409-A-G. GRCh37 (hg19) VCF-style: chr5-112102106-A-G.
Other names: c.219A>G, p.Lys73= (NM_001127510.3, NM_001354895.2, NM_001354896.2 and 2 more transcripts); c.249A>G, p.Lys83= (NM_001127511.3, NM_001354897.2, NM_001354902.2); c.144A>G, p.Lys48= (NM_001354898.2, NM_001354904.2); c.42A>G, p.Lys14= (NM_001354900.2, NM_001354901.2, NM_001354905.2); c.-817A>G (NM_001354906.2).
Identifiers: ClinVar variation 1317341 (VCV001317341.11), dbSNP rs2149784873, ClinGen allele CA445753051.

ClinVar aggregate classification (germline): Conflicting classifications of pathogenicity. Review status: criteria provided, conflicting classifications (1 of 4 stars). 3 submissions from 3 submitters: Likely pathogenic (2); Uncertain significance (1). Last evaluated 2024-01-30.

Conditions:
Familial adenomatous polyposis 1 (FAP1). Also called: POLYPOSIS, ADENOMATOUS INTESTINAL; FAMILIAL ADENOMATOUS POLYPOSIS 1, ATTENUATED. Identifiers: MedGen C2713442, MONDO:0021056, OMIM 175100. Disease mechanism: loss of function.

Submissions (3):

Labcorp Genetics (formerly Invitae), Labcorp
Classification: Likely pathogenic for Familial adenomatous polyposis 1. Last evaluated: 2024-01-30. Review status: criteria provided, single submitter. Criteria: Invitae Variant Classification Sherloc (09022015). Collection method: clinical testing. Allele origin: germline.
Comment: This sequence change affects codon 73 of the APC mRNA. It is a 'silent' change, meaning that it does not change the encoded amino acid sequence of the APC protein. RNA analysis indicates that this variant induces altered splicing and may result in an absent or disrupted protein product. This variant is not present in population databases (gnomAD no frequency). This variant has been observed in individual(s) with APC-related conditions (Invitae). ClinVar contains an entry for this variant (Variation ID: 1317341). Studies have shown that this variant results in skipping of exon 3 and introduces a premature termination codon (Invitae). The resulting mRNA is expected to undergo nonsense-mediated decay. In summary, the currently available evidence indicates that the variant is pathogenic, but additional data are needed to prove that conclusively. Therefore, this variant has been classified as Likely Pathogenic.

Myriad Genetics, Inc.
Classification: Likely pathogenic for Familial adenomatous polyposis 1. Last evaluated: 2023-11-06. Review status: criteria provided, single submitter. Criteria: Myriad Autosomal Dominant, Autosomal Recessive and X-Linked Classification Criteria (2023). Collection method: clinical testing. Allele origin: unknown.
Comment: This variant is considered likely pathogenic. mRNA analysis has demonstrated abnormal mRNA splicing occurs [Myriad internal data].

GeneDx
Classification: Uncertain significance. Last evaluated: 2022-02-03. Review status: criteria provided, single submitter. Criteria: GeneDx Variant Classification Process June 2021. Collection method: clinical testing. Allele origin: germline. Affected: yes.
Comment: Not observed at significant frequency in large population cohorts (gnomAD); In silico analysis supports a deleterious effect on splicing; Has not been previously published as pathogenic or benign to our knowledge